The following is an entry in ClinVar:

ClinVar aggregate classification (germline): Conflicting classifications of pathogenicity. Review status: criteria provided, conflicting classifications (1 of 4 stars). 2 submissions from 2 submitters: Uncertain significance (1); Likely benign (1). Last evaluated 2025-12-03.

Allele frequency attached by ClinVar (database versions not stated): gnomAD 0.00003; TOPMed 0.00003; gnomAD exomes 0.00005; 1000 Genomes Project 30x 0.00016; 1000 Genomes Project 0.00040.
gnomAD v4.1: 79 of 1,536,128 alleles (0.0051%); highest among the groups gnomAD compares: Admixed American, 0.0059%; no homozygotes.

Submissions (2):

Ambry Genetics
Classification: Uncertain significance. Last evaluated: 2025-12-03. Review status: criteria provided, single submitter. Criteria: Ambry Variant Classification Scheme 2023. Collection method: clinical testing. Allele origin: germline.

CeGaT Center for Human Genetics Tuebingen
Classification: Likely benign. Last evaluated: 2024-07-01. Review status: criteria provided, single submitter. Criteria: CeGaT Center For Human Genetics Tuebingen Variant Classification Criteria Version 2. Collection method: clinical testing. Allele origin: germline. Affected: yes. Observed: 1 variant allele.
Comment: ZFHX2: BS1

NM_033400.3(ZFHX2):c.4784G>A (p.Arg1595His)

Genes: THTPA (thiamine triphosphatase; plus strand), ZFHX2 (zinc finger homeobox 2; minus strand). Cytogenetic location: 14q11.2.
Variant type: single nucleotide variant.
Coding change: c.4784G>A on transcript NM_033400.3 (MANE Select); coding-DNA position 4784, G replaced by A.
Protein change: p.Arg1595His; replaces arginine 1595 with histidine.
Molecular consequence: missense variant.
Genome position (GRCh38, 1-based): chr14:23,525,158, C>T on the plus strand (G>A on the coding strand, the complement: ZFHX2 is on the minus strand). VCF-style: chr14-23525158-C-T. GRCh37 (hg19) VCF-style: chr14-23994367-C-T.
Other names: short protein forms R1595H.
Identifiers: ClinVar variation 2400682 (VCV002400682.19), dbSNP rs543843286, ClinGen allele CA257793491.
Genomic context (GRCh38, chr14:23,525,158, plus strand): 5'-TCAAAGAAAGACTGCAGGGCTTGGGTCTGGAACTCTGTGAACTTGGTTCTGGAGAACCGG[C>T]GGCCGGCAGGCACCAGGGGAGGAAGATTCCCTCTGGAGCTTTCTTCCTCTTCTATGGGCC-3'
Protein context (NP_207646.2, residues 1585-1605): GNLPPLVPAG[Arg1595His]RFSRTKFTEF